The following is an entry in ClinVar:

ClinVar aggregate classification (germline): Pathogenic (1 of 4 stars; one submission).

Conditions:
DICER1-related tumor predisposition. Also called: DICER1 syndrome; DICER1-related pleuropulmonary blastoma cancer predisposition syndrome. Identifiers: Orphanet 284343, MedGen C3839822, MONDO:0100216.

Submission:

Labcorp Genetics (formerly Invitae), Labcorp
Classification: Pathogenic for DICER1-related tumor predisposition. Last evaluated: 2025-10-23. Review status: criteria provided, single submitter. Criteria: Invitae Variant Classification Sherloc (09022015). Collection method: clinical testing. Allele origin: germline.
Comment: This sequence change creates a premature translational stop signal (p.Phe260Leufs*12) in the DICER1 gene. It is expected to result in an absent or disrupted protein product. Loss-of-function variants in DICER1 are known to be pathogenic (PMID: 19556464, 21266384). This variant is not present in population databases (gnomAD no frequency). This variant has not been reported in the literature in individuals affected with DICER1-related conditions. ClinVar contains an entry for this variant (Variation ID: 1453847). For these reasons, this variant has been classified as Pathogenic.

Literature cited by the submitters: PubMed 19556464; PubMed 21266384.

NM_177438.3(DICER1):c.780del (p.Phe260fs)

Gene: DICER1 (dicer 1, ribonuclease III; minus strand). Cytogenetic location: 14q32.13.
Variant type: Deletion.
Coding change: c.780del on transcript NM_177438.3 (MANE Select); coding-DNA position 780, one base deleted (T; older notation c.780delT).
Protein change: p.Phe260fs; shifts the reading frame from phenylalanine 260.
Molecular consequence: frameshift variant.
Genome position (GRCh38, 1-based): chr14:95,126,703, A deleted on the plus strand (T on the coding strand, the reverse complement: DICER1 is on the minus strand); the first of 3 consecutive A bases (chr14:95,126,703-95,126,705); deleting any one gives the same sequence. VCF-style (leftmost placement, unchanged base first): chr14-95126702-TA-T. GRCh37 (hg19) VCF-style: chr14-95593039-TA-T.
Other names: c.780del, p.Phe260fs (NM_001195573.1, NM_001271282.3, NM_001291628.2 and 1 more transcripts); short protein forms F260fs.
Identifiers: ClinVar variation 1453847 (VCV001453847.7), dbSNP rs2140233854, ClinGen allele CA2573150350.